The following is an entry in ClinVar:

ClinVar aggregate classification (germline): Uncertain significance. Review status: criteria provided, multiple submitters, no conflicts (2 of 4 stars). 2 submissions from 2 submitters: Uncertain significance (2). Last evaluated 2025-07-12.

Conditions:
Predisposition to invasive fungal disease due to CARD9 deficiency (IMD103). Also called: IMMUNODEFICIENCY 103, SUSCEPTIBILITY TO FUNGAL INFECTIONS; CARD9 IMMUNODEFICIENCY; Candidiasis, familial, 2, autosomal recessive. Identifiers: Orphanet 457088, MedGen C1859353, MONDO:0008905, OMIM 212050.
Inborn genetic diseases. Identifiers: MedGen C0950123, MeSH D030342.

Allele frequency attached by ClinVar (database versions not stated): gnomAD 0.00001; gnomAD exomes 0.00001.

Submissions (2):

Ambry Genetics
Classification: Uncertain significance for Inborn genetic diseases. Last evaluated: 2025-07-12. Review status: criteria provided, single submitter. Criteria: Ambry Variant Classification Scheme 2023. Collection method: clinical testing. Allele origin: germline.

Labcorp Genetics (formerly Invitae), Labcorp
Classification: Uncertain significance for Predisposition to invasive fungal disease due to CARD9 deficiency. Last evaluated: 2022-06-22. Review status: criteria provided, single submitter. Criteria: Invitae Variant Classification Sherloc (09022015). Collection method: clinical testing. Allele origin: germline.
Comment: This sequence change replaces glutamic acid, which is acidic and polar, with lysine, which is basic and polar, at codon 489 of the CARD9 protein (p.Glu489Lys). The frequency data for this variant in the population databases is considered unreliable, as metrics indicate poor data quality at this position in the gnomAD database. This variant has not been reported in the literature in individuals affected with CARD9-related conditions. Algorithms developed to predict the effect of missense changes on protein structure and function are either unavailable or do not agree on the potential impact of this missense change (SIFT: "Deleterious"; PolyPhen-2: "Benign"; Align-GVGD: "Class C0"). In summary, the available evidence is currently insufficient to determine the role of this variant in disease. Therefore, it has been classified as a Variant of Uncertain Significance.

NM_052813.5(CARD9):c.1465G>A (p.Glu489Lys)

Gene: CARD9 (caspase recruitment domain family member 9; minus strand). Cytogenetic location: 9q34.3.
Variant type: single nucleotide variant.
Coding change: c.1465G>A on transcript NM_052813.5 (MANE Select); coding-DNA position 1465, G replaced by A.
Protein change: p.Glu489Lys; replaces glutamic acid 489 with lysine.
Molecular consequence: missense variant. On other transcripts: intron variant (1).
Genome position (GRCh38, 1-based): chr9:136,364,529, C>T on the plus strand (G>A on the coding strand, the complement: CARD9 is on the minus strand). VCF-style: chr9-136364529-C-T. GRCh37 (hg19) VCF-style: chr9-139258981-C-T.
Other names: c.1465G>A (NM_052813.4); c.1441+24G>A (NM_052814.4); short protein forms E489K.
Identifiers: ClinVar variation 1430391 (VCV001430391.4), dbSNP rs1453391726, ClinGen allele CA375541525.